The following is an entry in ClinVar:

NM_001165963.4(SCN1A):c.1312G>C (p.Glu438Gln)

Gene: SCN1A (sodium voltage-gated channel alpha subunit 1; minus strand). Cytogenetic location: 2q24.3.
Variant type: single nucleotide variant.
Coding change: c.1312G>C on transcript NM_001165963.4 (MANE Select); coding-DNA position 1312, G replaced by C.
Protein change: p.Glu438Gln; replaces glutamic acid 438 with glutamine.
Molecular consequence: missense variant. On other transcripts: 5 prime UTR variant (1), non-coding transcript variant (1).
Genome position (GRCh38, 1-based): chr2:166,046,835, C>G on the plus strand (G>C on the coding strand, the complement: SCN1A is on the minus strand). VCF-style: chr2-166046835-C-G. GRCh37 (hg19) VCF-style: chr2-166903345-C-G.
Other names: c.1312G>C, p.Glu438Gln (NM_001165964.3, NM_001202435.3, NM_001353948.2 and 10 more transcripts); c.-1114G>C (NM_001353961.2); short protein forms E438Q.
Identifiers: ClinVar variation 2651500 (VCV002651500.24), dbSNP rs1553546756, ClinGen allele CA349070587.

ClinVar aggregate classification (germline): Uncertain significance (1 of 4 stars; one submission).

Submission:

CeGaT Center for Human Genetics Tuebingen
Classification: Uncertain significance. Last evaluated: 2023-01-01. Review status: criteria provided, single submitter. Criteria: CeGaT Center For Human Genetics Tuebingen Variant Classification Criteria Version 2. Collection method: clinical testing. Allele origin: germline. Affected: yes. Observed: 1 variant allele.
Comment: SCN1A: PM2, PP2, BP4